The following is an entry in ClinVar:

NC_000016.9:g.(?_70305664)_(70834803_?)dup

Genes: FCSK (fucose kinase; plus strand), IL34 (interleukin 34; plus strand), MTSS2 (MTSS I-BAR domain containing 2; minus strand), SF3B3 (splicing factor 3b subunit 3; plus strand), ST3GAL2 (ST3 beta-galactoside alpha-2,3-sialyltransferase 2; minus strand) and 5 more. Cytogenetic location: 16q22.1-22.2.
Variant type: Duplication.
Identifiers: ClinVar variation 3243569 (VCV003243569.1).

ClinVar aggregate classification (germline): Uncertain significance (1 of 4 stars; one submission).

Conditions:
Charcot-Marie-Tooth disease type 2. Also called: Charcot-Marie-Tooth type 2. Identifiers: Orphanet 64746, MedGen C0270914, MONDO:0018993.

Submission:

Labcorp Genetics (formerly Invitae), Labcorp
Classification: Uncertain significance for Charcot-Marie-Tooth disease type 2. Last evaluated: 2024-01-26. Review status: criteria provided, single submitter. Criteria: Invitae Variant Classification Sherloc (09022015). Collection method: clinical testing. Allele origin: unknown.
Comment: This variant results in a copy number gain of the genomic region encompassing at least exons 1-5 and may include part of exon 6 of the AARS gene. This region includes the initiator codon of the gene. This copy number gain extends beyond the assayed region for this gene and therefore may encompass additional genes. As the precise location of this event is unknown, it may be in tandem or it may be located elsewhere in the genome. This variant has not been reported in the literature in individuals affected with AARS-related conditions. Experimental studies and prediction algorithms are not available or were not evaluated, and the functional significance of this variant is currently unknown. In summary, the available evidence is currently insufficient to determine the role of this variant in disease. Therefore, it has been classified as a Variant of Uncertain Significance.